The following is an entry in ClinVar:

ClinVar aggregate classification (germline): Pathogenic (1 of 4 stars; one submission).

Conditions:
Glutathione synthetase deficiency with 5-oxoprolinuria. Also called: PYROGLUTAMIC ACIDURIA; 5-Oxoprolinuria; Gluthathione synthetase deficiency; 5-OXOPROLINURIA DUE TO GLUTATHIONE SYNTHETASE DEFICIENCY; Reduced glutathione synthetase level. Identifiers: Orphanet 289846, MedGen C0398746, MONDO:0009947, OMIM 266130, HP:0003343.

Submission:

Labcorp Genetics (formerly Invitae), Labcorp
Classification: Pathogenic for Glutathione synthetase deficiency with 5-oxoprolinuria. Last evaluated: 2023-08-30. Review status: criteria provided, single submitter. Criteria: Invitae Variant Classification Sherloc (09022015). Collection method: clinical testing. Allele origin: germline.
Comment: This sequence change creates a premature translational stop signal (p.Ala176Valfs*33) in the GSS gene. It is expected to result in an absent or disrupted protein product. Loss-of-function variants in GSS are known to be pathogenic (PMID: 12638941, 15717202). This variant is not present in population databases (gnomAD no frequency). This variant has not been reported in the literature in individuals affected with GSS-related conditions. Algorithms developed to predict the effect of sequence changes on RNA splicing suggest that this variant may disrupt the consensus splice site. For these reasons, this variant has been classified as Pathogenic.

Literature cited by the submitters: PubMed 12638941; PubMed 15717202.

NM_000178.4(GSS):c.527del (p.Ala176fs)

Gene: GSS (glutathione synthetase; minus strand). Cytogenetic location: 20q11.22.
Variant type: Deletion.
Coding change: c.527del on transcript NM_000178.4 (MANE Select); coding-DNA position 527, one base deleted (C; older notation c.527delC).
Protein change: p.Ala176fs; shifts the reading frame from alanine 176.
Molecular consequence: frameshift variant.
Genome position (GRCh38, 1-based): chr20:34,941,794, G deleted on the plus strand (C on the coding strand, the reverse complement: GSS is on the minus strand). VCF-style (leftmost placement, unchanged base first): chr20-34941793-AG-A. GRCh37 (hg19) VCF-style: chr20-33529596-AG-A.
Other names: c.527del, p.Ala176fs (NM_001322495.1, NM_001322494.1); short protein forms A176fs.
Identifiers: ClinVar variation 2756529 (VCV002756529.3), dbSNP rs2519031306, ClinGen allele CA2697547366.